The following is an entry in ClinVar:

ClinVar aggregate classification (germline): Uncertain significance. Review status: criteria provided, multiple submitters, no conflicts (2 of 4 stars). 2 submissions from 2 submitters: Uncertain significance (2). Last evaluated 2023-11-30.

Conditions:
Hereditary cancer-predisposing syndrome. Also called: Hereditary Cancer Syndrome; Neoplastic Syndromes, Hereditary; Tumor predisposition; Hereditary neoplastic syndrome. Identifiers: Orphanet 140162, MedGen C0027672, MeSH D009386, MONDO:0015356.
Ataxia-telangiectasia syndrome (AT). Also called: Ataxia telangiectasia (A-T); Ataxia-telangiectasia, complementation group E; LOUIS-BAR SYNDROME; Cerebello-oculocutaneous telangiectasia; Immunodeficiency with ataxia telangiectasia; Ataxia-telangiectasia, complementation group D. Identifiers: Orphanet 100, MedGen C0004135, MONDO:0008840, OMIM 208900.

Submissions (2):

Ambry Genetics
Classification: Uncertain significance for Hereditary cancer-predisposing syndrome. Last evaluated: 2023-11-30. Review status: criteria provided, single submitter. Criteria: Ambry Variant Classification Scheme 2023. Collection method: clinical testing. Allele origin: germline.
Comment: The p.F30Y variant (also known as c.89T>A), located in coding exon 2 of the ATM gene, results from a T to A substitution at nucleotide position 89. The phenylalanine at codon 30 is replaced by tyrosine, an amino acid with highly similar properties. This amino acid position is highly conserved in available vertebrate species. In addition, the in silico prediction for this alteration is inconclusive. Since supporting evidence is limited at this time, the clinical significance of this alteration remains unclear.

Labcorp Genetics (formerly Invitae), Labcorp
Classification: Uncertain significance for Ataxia-telangiectasia syndrome. Last evaluated: 2022-11-04. Review status: criteria provided, single submitter. Criteria: Invitae Variant Classification Sherloc (09022015). Collection method: clinical testing. Allele origin: germline.
Comment: This sequence change replaces phenylalanine, which is neutral and non-polar, with tyrosine, which is neutral and polar, at codon 30 of the ATM protein (p.Phe30Tyr). This variant is not present in population databases (gnomAD no frequency). In summary, the available evidence is currently insufficient to determine the role of this variant in disease. Therefore, it has been classified as a Variant of Uncertain Significance. Advanced modeling of protein sequence and biophysical properties (such as structural, functional, and spatial information, amino acid conservation, physicochemical variation, residue mobility, and thermodynamic stability) performed at Invitae indicates that this missense variant is not expected to disrupt ATM protein function. ClinVar contains an entry for this variant (Variation ID: 230353). This variant has not been reported in the literature in individuals affected with ATM-related conditions.

NM_000051.4(ATM):c.89T>A (p.Phe30Tyr)

Gene: ATM (ATM serine/threonine kinase; plus strand). Cytogenetic location: 11q22.3.
Variant type: single nucleotide variant.
Coding change: c.89T>A on transcript NM_000051.4 (MANE Select); coding-DNA position 89, T replaced by A.
Protein change: p.Phe30Tyr; replaces phenylalanine 30 with tyrosine.
Molecular consequence: missense variant.
Genome position (GRCh38, 1-based): chr11:108,227,792, T>A. VCF-style: chr11-108227792-T-A. GRCh37 (hg19) VCF-style: chr11-108098519-T-A.
Other names: c.89T>A, p.Phe30Tyr (NM_001351834.2, NM_001351835.2, NM_001351836.2); short protein forms F30Y.
Identifiers: ClinVar variation 230353 (VCV000230353.8), dbSNP rs876658520, ClinGen allele CA10578941.